The following is an entry in ClinVar:

ClinVar aggregate classification (germline): Uncertain significance (1 of 4 stars; one submission).

Conditions:
Developmental delay with or without dysmorphic facies and autism. Identifiers: MedGen C5193106, MONDO:0032760, OMIM 618454.

Submission:

Juno Genomics, Hangzhou Juno Genomics, Inc
Classification: Uncertain significance for Developmental delay with or without dysmorphic facies and autism. Review status: criteria provided, single submitter. Criteria: ACMG Guidelines, 2015. Collection method: clinical testing. Allele origin: germline. Affected: yes.
Comment: Absent from controls (or at extremely low frequency if recessive) in Genome Aggregation Database.;Multiple lines of computational evidence support a deleterious effect on the gene or gene product.;Missense variant in a gene that has a low rate of benign missense variation.;De novo (both maternity and paternity confirmed) in a patient with the disease and no family history.

NM_001375524.1(TRRAP):c.1159C>T (p.Arg387Cys)

Gene: TRRAP (transformation/transcription domain associated protein; plus strand). Cytogenetic location: 7q22.1.
Variant type: single nucleotide variant.
Coding change: c.1159C>T on transcript NM_001375524.1 (MANE Select); coding-DNA position 1159, C replaced by T.
Protein change: p.Arg387Cys; replaces arginine 387 with cysteine.
Molecular consequence: missense variant.
Genome position (GRCh38, 1-based): chr7:98,908,771, C>T. VCF-style: chr7-98908771-C-T. GRCh37 (hg19) VCF-style: chr7-98506394-C-T.
Other names: c.1159C>T, p.Arg387Cys (NM_001244580.2, NM_003496.4); short protein forms R387C.
Identifiers: ClinVar variation 3382568 (VCV003382568.3).